The following is an entry in ClinVar:

NM_003722.5(TP63):c.151A>G (p.Ser51Gly)

Gene: TP63 (tumor protein p63; plus strand). Cytogenetic location: 3q28.
Variant type: single nucleotide variant.
Coding change: c.151A>G on transcript NM_003722.5 (MANE Select); coding-DNA position 151, A replaced by G.
Protein change: p.Ser51Gly; replaces serine 51 with glycine.
Molecular consequence: missense variant.
Genome position (GRCh38, 1-based): chr3:189,737,828, A>G. VCF-style: chr3-189737828-A-G. GRCh37 (hg19) VCF-style: chr3-189455617-A-G.
Other names: c.151A>G, p.Ser51Gly (NM_001114978.2, NM_001114979.2, NM_001329144.2 and 1 more transcripts); c.145A>G, p.Ser49Gly (NM_001329964.2); short protein forms S51G, S49G.
Identifiers: ClinVar variation 3640411 (VCV003640411.1).
Genomic context (GRCh38, chr3:189,737,828, plus strand): 5'-TGGAAAGAAAGTTATTACCGATCCACCATGTCCCAGAGCACACAGACAAATGAATTCCTC[A>G]GTCCAGAGGTTTTCCAGCATATCTGGGATTTTCTGGAACAGTAAGTATAAAACAAGCAAG-3'
Protein context (NP_003713.3, residues 41-61): SQSTQTNEFL[Ser51Gly]PEVFQHIWDF

ClinVar aggregate classification (germline): Uncertain significance (1 of 4 stars; one submission).

Conditions:
TP63-Related Spectrum Disorders.

gnomAD v4.1: 1 of 1,614,032 alleles (0.000062%); highest among the groups gnomAD compares: South Asian, 0.0011%; no homozygotes.

Submission:

Labcorp Genetics (formerly Invitae), Labcorp
Classification: Uncertain significance. Last evaluated: 2024-10-07. Review status: criteria provided, single submitter. Criteria: Invitae Variant Classification Sherloc (09022015). Collection method: clinical testing. Allele origin: germline.
Comment: This sequence change replaces serine, which is neutral and polar, with glycine, which is neutral and non-polar, at codon 51 of the TP63 protein (p.Ser51Gly). This variant is not present in population databases (gnomAD no frequency). This variant has not been reported in the literature in individuals affected with TP63-related conditions. Invitae Evidence Modeling of protein sequence and biophysical properties (such as structural, functional, and spatial information, amino acid conservation, physicochemical variation, residue mobility, and thermodynamic stability) indicates that this missense variant is not expected to disrupt TP63 protein function with a negative predictive value of 80%. In summary, the available evidence is currently insufficient to determine the role of this variant in disease. Therefore, it has been classified as a Variant of Uncertain Significance.